The following is an entry in ClinVar:

ClinVar aggregate classification (germline): Uncertain significance (1 of 4 stars; one submission).

Conditions:
Catecholaminergic polymorphic ventricular tachycardia (CVPT). Also called: Catecholamine-induced polymorphic ventricular tachycardia. Identifiers: Orphanet 3286, MedGen C5574922, MONDO:0017990.

Submission:

All of Us Research Program, National Institutes of Health
Classification: Uncertain significance for Catecholaminergic polymorphic ventricular tachycardia. Last evaluated: 2023-11-02. Review status: criteria provided, single submitter. Criteria: ACMG Guidelines, 2015. Collection method: clinical testing. Allele origin: germline. Inheritance: Autosomal dominant inheritance. Observed: 1 variant allele, 1 heterozygote.
Comment: This missense variant replaces aspartic acid with glycine at codon 1278 of the RYR2 protein. Computational prediction is inconclusive regarding the impact of this variant on protein structure and function (internally defined REVEL score threshold 0.5 < inconclusive < 0.7, PMID: 27666373). To our knowledge, functional studies have not been reported for this variant. This variant has not been reported in individuals affected with RYR2-related disorders in the literature. This variant has not been identified in the general population by the Genome Aggregation Database (gnomAD). The available evidence is insufficient to determine the role of this variant in disease conclusively. Therefore, this variant is classified as a Variant of Uncertain Significance.

This study involves interpretation of variants in research participants for the purpose of population health screening. Participant phenotype was not available at the time of variant classification. Additional details can be found in publication PMID: 35346344, PMCID: PMC8962531

NM_001035.3(RYR2):c.3833A>G (p.Asp1278Gly)

Genes: RYR2 (ryanodine receptor 2; plus strand), LOC126806067 (BRD4-independent group 4 enhancer GRCh37_chr1:237753258-237754457; plus strand). Cytogenetic location: 1q43.
Variant type: single nucleotide variant.
Coding change: c.3833A>G on transcript NM_001035.3 (MANE Select); coding-DNA position 3833, A replaced by G.
Protein change: p.Asp1278Gly; replaces aspartic acid 1278 with glycine.
Molecular consequence: missense variant.
Genome position (GRCh38, 1-based): chr1:237,590,665, A>G. VCF-style: chr1-237590665-A-G. GRCh37 (hg19) VCF-style: chr1-237753965-A-G.
Other names: short protein forms D1278G.
Identifiers: ClinVar variation 3074306 (VCV003074306.1), dbSNP rs2546613343, ClinGen allele CA345397173.